The following is an entry in ClinVar:

NM_001271938.2(MEGF8):c.1197C>T (p.Pro399=)

Gene: MEGF8 (multiple EGF like domains 8; plus strand). Cytogenetic location: 19q13.2.
Variant type: single nucleotide variant.
Coding change: c.1197C>T on transcript NM_001271938.2 (MANE Select); coding-DNA position 1197, C replaced by T.
Protein change: p.Pro399=; no amino-acid change (proline 399 retained).
Molecular consequence: synonymous variant.
Genome position (GRCh38, 1-based): chr19:42,336,299, C>T. VCF-style: chr19-42336299-C-T. GRCh37 (hg19) VCF-style: chr19-42840451-C-T.
Other names: c.1197C>T, p.Pro399= (NM_001410.3).
Identifiers: ClinVar variation 473322 (VCV000473322.37), dbSNP rs149190709, ClinGen allele CA9474366.

ClinVar aggregate classification (germline): Benign/Likely benign. Review status: criteria provided, multiple submitters, no conflicts (2 of 4 stars). 5 submissions from 5 submitters: Benign (2); Likely benign (3). Last evaluated 2026-07-01.

Conditions:
MEGF8-related Carpenter syndrome. Also called: Carpenter syndrome 2. Identifiers: Orphanet 65759, MedGen C3554247, MONDO:0013998, OMIM 614976.

Allele frequency attached by ClinVar (database versions not stated): 1000 Genomes Project 30x 0.00484; 1000 Genomes Project 0.00539; TOPMed 0.00594; ESP Exome Variant Server 0.00667.
gnomAD v4.1: 15,119 of 1,607,412 alleles (0.94%); highest among the groups gnomAD compares: Middle Eastern, 1.5%; 95 homozygotes.

Submissions (5):

CeGaT Center for Human Genetics Tuebingen
Classification: Benign. Last evaluated: 2026-07-01. Review status: criteria provided, single submitter. Criteria: CeGaT Center For Human Genetics Tuebingen Variant Classification Criteria Version 2. Collection method: clinical testing. Allele origin: germline. Affected: yes. Observed: 22 variant alleles.
Comment: MEGF8: BP4, BP7, BS1, BS2

Labcorp Genetics (formerly Invitae), Labcorp
Classification: Benign for MEGF8-related Carpenter syndrome. Last evaluated: 2026-01-26. Review status: criteria provided, single submitter. Criteria: Invitae Variant Classification Sherloc (09022015). Collection method: clinical testing. Allele origin: germline.

Blueprint Genetics
Classification: Likely benign. Last evaluated: 2024-11-26. Review status: criteria provided, single submitter. Criteria: ACMG Guidelines, 2015. Collection method: clinical testing. Allele origin: germline.

GeneDx
Classification: Likely benign. Last evaluated: 2021-02-05. Review status: criteria provided, single submitter. Criteria: GeneDx Variant Classification Process June 2021. Collection method: clinical testing. Allele origin: germline. Affected: yes.

Breakthrough Genomics
Classification: Likely benign. Review status: criteria provided, single submitter. Criteria: ACMG Guidelines, 2015. Collection method: not provided. Allele origin: germline. Inheritance: Autosomal recessive inheritance. Affected: yes.